The following is an entry in ClinVar:

NM_004448.4(ERBB2):c.1928C>G (p.Pro643Arg)

Gene: ERBB2 (erb-b2 receptor tyrosine kinase 2; plus strand). Cytogenetic location: 17q12.
Variant type: single nucleotide variant.
Coding change: c.1928C>G on transcript NM_004448.4 (MANE Select); coding-DNA position 1928, C replaced by G.
Protein change: p.Pro643Arg; replaces proline 643 with arginine.
Molecular consequence: missense variant. On other transcripts: non-coding transcript variant (1), intron variant (3).
Genome position (GRCh38, 1-based): chr17:39,719,816, C>G. VCF-style: chr17-39719816-C-G. GRCh37 (hg19) VCF-style: chr17-37876069-C-G.
Other names: c.1838C>G, p.Pro613Arg (NM_001005862.3, NM_001382782.1, NM_001382783.1); c.1883C>G, p.Pro628Arg (NM_001289936.2); c.1928C>G, p.Pro643Arg (NM_001289937.2, NM_001382792.1, NM_001382793.1 and 7 more transcripts); c.2045C>G, p.Pro682Arg (NM_001382784.1, NM_001382786.1); c.2030C>G, p.Pro677Arg (NM_001382785.1); c.2003C>G, p.Pro668Arg (NM_001382787.1); c.1958C>G, p.Pro653Arg (NM_001382788.1); c.1949C>G, p.Pro650Arg (NM_001382789.1); and 7 more; short protein forms P557R, P583R, P650R, P653R, P677R, P367R, P613R, P628R.
Identifiers: ClinVar variation 1435565 (VCV001435565.6), dbSNP rs367599823, ClinGen allele CA8534153.
Genomic context (GRCh38, chr17:39,719,816, plus strand): 5'-AGAATTGTTGATGAGACTGTTTCTCCTGCAGCTGTGTGGACCTGGATGACAAGGGCTGCC[C>G]CGCCGAGCAGAGAGCCAGGTTGGCCTGGACCCCAGGATGTACCCTTCATTGCCCTTCACT-3'
Protein context (NP_004439.2, residues 633-653): SCVDLDDKGC[Pro643Arg]AEQRASPLTS

ClinVar aggregate classification (germline): Uncertain significance (1 of 4 stars; one submission).

Allele frequency attached by ClinVar (database versions not stated): gnomAD exomes below 0.00001; TOPMed below 0.00001; ExAC 0.00001; gnomAD 0.00006 and 0.00007; ESP Exome Variant Server 0.00008.
gnomAD v4.1: 12 of 1,614,032 alleles (0.00074%); highest among the groups gnomAD compares: Non-Finnish European, 0.001%; no homozygotes.

Submission:

Labcorp Genetics (formerly Invitae), Labcorp
Classification: Uncertain significance. Last evaluated: 2021-08-19. Review status: criteria provided, single submitter. Criteria: Invitae Variant Classification Sherloc (09022015). Collection method: clinical testing. Allele origin: germline.
Comment: This variant has not been reported in the literature in individuals affected with ERBB2-related conditions. Algorithms developed to predict the effect of missense changes on protein structure and function (SIFT, PolyPhen-2, Align-GVGD) all suggest that this variant is likely to be disruptive. In summary, the available evidence is currently insufficient to determine the role of this variant in disease. Therefore, it has been classified as a Variant of Uncertain Significance. This sequence change replaces proline with arginine at codon 643 of the ERBB2 protein (p.Pro643Arg). The proline residue is highly conserved and there is a moderate physicochemical difference between proline and arginine. This variant is present in population databases (rs367599823, ExAC 0.001%).